The following is an entry in ClinVar:

NM_182961.4(SYNE1):c.17591C>T (p.Ser5864Phe)

Gene: SYNE1 (spectrin repeat containing nuclear envelope protein 1; minus strand). Cytogenetic location: 6q25.2.
Variant type: single nucleotide variant.
Coding change: c.17591C>T on transcript NM_182961.4 (MANE Select); coding-DNA position 17591, C replaced by T.
Protein change: p.Ser5864Phe; replaces serine 5864 with phenylalanine.
Molecular consequence: missense variant.
Genome position (GRCh38, 1-based): chr6:152,300,732, G>A on the plus strand (C>T on the coding strand, the complement: SYNE1 is on the minus strand). VCF-style: chr6-152300732-G-A. GRCh37 (hg19) VCF-style: chr6-152621867-G-A.
Other names: c.17378C>T, p.Ser5793Phe (NM_033071.5); short protein forms S5864F, S5793F.
Identifiers: ClinVar variation 4988299 (VCV004988299.1).

ClinVar aggregate classification (germline): Uncertain significance (1 of 4 stars; one submission).

Conditions:
SYNE1-related disorder. Also called: SYNE1-related disorders; SYNE1-related disease; SYNE1-related condition.

gnomAD v4.1: 2 of 1,614,186 alleles (0.00012%); highest among the groups gnomAD compares: Non-Finnish European, 0.00017%; no homozygotes.

Submission:

PreventionGenetics, part of Exact Sciences
Classification: Uncertain significance for SYNE1-related condition. Last evaluated: 2024-10-05. Review status: criteria provided, single submitter. Criteria: ACMG Guidelines, 2015. Collection method: clinical testing. Allele origin: germline.
Comment: The SYNE1 c.17378C>T variant is predicted to result in the amino acid substitution p.Ser5793Phe. To our knowledge, this variant has not been reported in the literature or in a large population database, indicating this variant is rare. At this time, the clinical significance of this variant is uncertain due to the absence of conclusive functional and genetic evidence.